The following is an entry in ClinVar:

ClinVar aggregate classification (germline): Uncertain significance (1 of 4 stars; one submission).

Submission:

Labcorp Genetics (formerly Invitae), Labcorp
Classification: Uncertain significance. Last evaluated: 2024-01-02. Review status: criteria provided, single submitter. Criteria: Invitae Variant Classification Sherloc (09022015). Collection method: clinical testing. Allele origin: germline.
Comment: This sequence change replaces alanine, which is neutral and non-polar, with threonine, which is neutral and polar, at codon 430 of the CCDC8 protein (p.Ala430Thr). This variant is present in population databases (no rsID available, gnomAD 0.003%). This variant has not been reported in the literature in individuals affected with CCDC8-related conditions. ClinVar contains an entry for this variant (Variation ID: 2058515). Algorithms developed to predict the effect of missense changes on protein structure and function output the following: SIFT: "Not Available"; PolyPhen-2: "Benign"; Align-GVGD: "Not Available". The threonine amino acid residue is found in multiple mammalian species, which suggests that this missense change does not adversely affect protein function. In summary, the available evidence is currently insufficient to determine the role of this variant in disease. Therefore, it has been classified as a Variant of Uncertain Significance.

NM_032040.5(CCDC8):c.1288G>A (p.Ala430Thr)

Gene: CCDC8 (coiled-coil domain containing 8 subunit of 3M complex; minus strand). Cytogenetic location: 19q13.32.
Variant type: single nucleotide variant.
Coding change: c.1288G>A on transcript NM_032040.5 (MANE Select); coding-DNA position 1288, G replaced by A.
Protein change: p.Ala430Thr; replaces alanine 430 with threonine.
Molecular consequence: missense variant.
Genome position (GRCh38, 1-based): chr19:46,411,523, C>T on the plus strand (G>A on the coding strand, the complement: CCDC8 is on the minus strand). VCF-style: chr19-46411523-C-T. GRCh37 (hg19) VCF-style: chr19-46914780-C-T.
Other names: short protein forms A430T.
Identifiers: ClinVar variation 2058515 (VCV002058515.4), dbSNP rs775949397, ClinGen allele CA406459260.
Genomic context (GRCh38, chr19:46,411,523, plus strand): 5'-CTGGGGCCCCTGCCCTCTGATTATGTGCAGCCTCTGCCCTCTGGCCAGCCCGGGCCTGTG[C>T]CCTCTGATTATCTGCACCCTGGACAGCTGGGGCCCTTTCCCTCTGGTCATGTACGGCCTC-3'
Protein context (NP_114429.2, residues 420-440): PAVQGADNQR[Ala430Thr]QARAGQRAEA